The following is an entry in ClinVar:

NM_012310.5(KIF4A):c.3217A>T (p.Thr1073Ser)

Gene: KIF4A (kinesin family member 4A; plus strand). Cytogenetic location: Xq13.1.
Variant type: single nucleotide variant.
Coding change: c.3217A>T on transcript NM_012310.5 (MANE Select); coding-DNA position 3217, A replaced by T.
Protein change: p.Thr1073Ser; replaces threonine 1073 with serine.
Molecular consequence: missense variant.
Genome position (GRCh38, 1-based): chrX:70,407,037, A>T. VCF-style: chrX-70407037-A-T. GRCh37 (hg19) VCF-style: chrX-69626887-A-T.
Other names: short protein forms T1073S.
Identifiers: ClinVar variation 3864353 (VCV003864353.5).
Genomic context (GRCh38, chrX:70,407,037, plus strand): 5'-AATGAGCATGAGGATGGTGATGGTGATGATGATGAGGGGGATGACGAGGAATGGAAGCCA[A>T]CAAAATTAGTTAAGGTGTCCAGGAAGAACATCCAAGGGGTAGGAGCCAGCTCTTCAACTT-3'
Protein context (NP_036442.3, residues 1063-1083): DEGDDEEWKP[Thr1073Ser]KLVKVSRKNI

ClinVar aggregate classification (germline): Conflicting classifications of pathogenicity. Review status: criteria provided, conflicting classifications (1 of 4 stars). 2 submissions from 2 submitters: Uncertain significance (1); Likely benign (1). Last evaluated 2026-01-01.

gnomAD v4.1: 224 of 1,202,350 alleles (0.019%); highest among the groups gnomAD compares: South Asian, 0.038%; no homozygotes.

Submissions (2):

CeGaT Center for Human Genetics Tuebingen
Classification: Likely benign. Last evaluated: 2026-01-01. Review status: criteria provided, single submitter. Criteria: CeGaT Center For Human Genetics Tuebingen Variant Classification Criteria Version 2. Collection method: clinical testing. Allele origin: germline. Affected: yes. Observed: 1 variant allele.
Comment: KIF4A: BP4, BS2

Ambry Genetics
Classification: Uncertain significance. Last evaluated: 2025-02-12. Review status: criteria provided, single submitter. Criteria: Ambry Variant Classification Scheme 2023. Collection method: clinical testing. Allele origin: germline.